The following is an entry in ClinVar:

ClinVar aggregate classification (germline): Pathogenic (1 of 4 stars; one submission).

Allele frequency attached by ClinVar (database versions not stated): gnomAD exomes below 0.00001 and 0.00001.

Submission:

Labcorp Genetics (formerly Invitae), Labcorp
Classification: Pathogenic. Last evaluated: 2024-03-18. Review status: criteria provided, single submitter. Criteria: Invitae Variant Classification Sherloc (09022015). Collection method: clinical testing. Allele origin: germline.
Comment: This sequence change creates a premature translational stop signal (p.Pro214Serfs*9) in the NR2E3 gene. It is expected to result in an absent or disrupted protein product. Loss-of-function variants in NR2E3 are known to be pathogenic (PMID: 15459973, 27522502). This variant is present in population databases (no rsID available, gnomAD 0.0009%). This premature translational stop signal has been observed in individual(s) with autosomal recessive enhanced S-cone syndrome (PMID: 33138239). In at least one individual the data is consistent with being in trans (on the opposite chromosome) from a pathogenic variant. ClinVar contains an entry for this variant (Variation ID: 1455685). For these reasons, this variant has been classified as Pathogenic.

Literature cited by the submitters: PubMed 15459973; PubMed 27522502; PubMed 33138239.

NM_014249.4(NR2E3):c.639_640insT (p.Pro214fs)

Gene: NR2E3 (nuclear receptor subfamily 2 group E member 3; plus strand). Cytogenetic location: 15q23.
Variant type: Insertion.
Coding change: c.639_640insT on transcript NM_014249.4 (MANE Select); coding-DNA positions 639 to 640, T inserted.
Protein change: p.Pro214fs; shifts the reading frame from proline 214.
Molecular consequence: frameshift variant.
Genome position: GRCh38 VCF-style: chr15-71812403-C-CT. GRCh37 (hg19) VCF-style: chr15-72104743-C-CT.
Other names: c.639_640insT, p.Pro214fs (NM_016346.4); short protein forms P214fs.
Identifiers: ClinVar variation 1455685 (VCV001455685.6), dbSNP rs1484573200, ClinGen allele CA618749065.